The following is an entry in ClinVar:

ClinVar aggregate classification (germline): Likely benign (1 of 4 stars; one submission).

Conditions:
Microcephalic osteodysplastic primordial dwarfism type II (MOPD2). Also called: Microcephalic osteodysplastic primordial dwarfism with tooth abnormalities; MOPD II; OSTEODYSPLASTIC PRIMORDIAL DWARFISM, TYPE II. Identifiers: Orphanet 2637, MedGen C0432246, MONDO:0008872, OMIM 210720.

Allele frequency attached by ClinVar (database versions not stated): TOPMed 0.00131; 1000 Genomes Project 0.00180; 1000 Genomes Project 30x 0.00203.
gnomAD v4.1: 296 of 914,774 alleles (0.032%); highest among the groups gnomAD compares: African/African-American, 0.43%; no homozygotes.

Submission:

Illumina Laboratory Services, Illumina
Classification: Likely benign for Microcephalic osteodysplastic primordial dwarfism type II. Last evaluated: 2018-01-13. Review status: criteria provided, single submitter. Criteria: ICSL Variant Classification Criteria 13 December 2019. Collection method: clinical testing. Allele origin: germline.
Comment: This variant was observed in the ICSL laboratory as part of a predisposition screen in an ostensibly healthy population. It had not been previously curated by ICSL or reported in the Human Gene Mutation Database (HGMD: prior to June 1st, 2018), and was therefore a candidate for classification through an automated scoring system. Utilizing variant allele frequency, disease prevalence and penetrance estimates, and inheritance mode, an automated score was calculated to assess if this variant is too frequent to cause the disease. Based on the score and internal cut-off values, a variant classified as likely benign is not then subjected to further curation. The score for this variant resulted in a classification of likely benign for this disease.

NM_006031.6(PCNT):c.*101T>G

Gene: PCNT (pericentrin; plus strand). Cytogenetic location: 21q22.3.
Variant type: single nucleotide variant.
Coding change: c.*101T>G on transcript NM_006031.6 (MANE Select); 101 bases downstream of the stop codon, T replaced by G.
Molecular consequence: 3 prime UTR variant.
Genome position (GRCh38, 1-based): chr21:46,445,428, T>G. VCF-style: chr21-46445428-T-G. GRCh37 (hg19) VCF-style: chr21-47865341-T-G.
Other names: c.*101T>G (NM_001315529.2).
Identifiers: ClinVar variation 340549 (VCV000340549.5), dbSNP rs138450666, ClinGen allele CA10653753.
Genomic context (GRCh38, chr21:46,445,428, plus strand): 5'-GGAAAAGATTTGTTTTTCCCTTTTCCCAAGGAAGCTCGTGGGACAGCATGGGCACTACTC[T>G]TCATGTGCGGTGACACCAGCCCCCAGATGCCTTGAATTAAGTGTCCTCACCTTTATGCAT-3'